The following is an entry in ClinVar:

NM_006929.5(SKIC2):c.2957A>G (p.Asn986Ser)

Gene: SKIC2 (SKI2 subunit of superkiller complex; plus strand). Cytogenetic location: 6p21.33.
Variant type: single nucleotide variant.
Coding change: c.2957A>G on transcript NM_006929.5 (MANE Select); coding-DNA position 2957, A replaced by G.
Protein change: p.Asn986Ser; replaces asparagine 986 with serine.
Molecular consequence: missense variant.
Genome position (GRCh38, 1-based): chr6:31,968,426, A>G. VCF-style: chr6-31968426-A-G. GRCh37 (hg19) VCF-style: chr6-31936203-A-G.
Other names: short protein forms N986S.
Identifiers: ClinVar variation 2528597 (VCV002528597.21), dbSNP rs771128642, ClinGen allele CA3729920.

ClinVar aggregate classification (germline): Uncertain significance. Review status: criteria provided, multiple submitters, no conflicts (2 of 4 stars). 2 submissions from 2 submitters: Uncertain significance (2). Last evaluated 2024-05-01.

Conditions:
Inborn genetic diseases. Identifiers: MedGen C0950123, MeSH D030342.

Allele frequency attached by ClinVar (database versions not stated): gnomAD exomes 0.00001; TOPMed 0.00001; ExAC 0.00003; gnomAD 0.00003.
gnomAD v4.1: 19 of 1,612,986 alleles (0.0012%); highest among the groups gnomAD compares: South Asian, 0.0077%; 1 homozygote.

Submissions (2):

CeGaT Center for Human Genetics Tuebingen
Classification: Uncertain significance. Last evaluated: 2024-05-01. Review status: criteria provided, single submitter. Criteria: CeGaT Center For Human Genetics Tuebingen Variant Classification Criteria Version 2. Collection method: clinical testing. Allele origin: germline. Affected: yes. Observed: 1 variant allele.
Comment: SKIC2: PM2

Ambry Genetics
Classification: Uncertain significance for Inborn genetic diseases. Last evaluated: 2023-05-31. Review status: criteria provided, single submitter. Criteria: Ambry Variant Classification Scheme 2023. Collection method: clinical testing. Allele origin: germline.